The following is an entry in ClinVar:

ClinVar aggregate classification (germline): not provided (0 of 4 stars; one submission).

Allele frequency attached by ClinVar (database versions not stated): gnomAD 0.00042 and 0.00044; TOPMed 0.00038; 1000 Genomes Project 0.00120.
gnomAD v4.1: 118 of 1,374,446 alleles (0.0086%); highest among the groups gnomAD compares: African/African-American, 0.17%; no homozygotes.

Submission:

Human Evolutionary Genetics, Institut Pasteur
No classification provided. Review status: no classification provided. Collection method: not provided. Allele origin: germline.
ClinVar note: Converted during submission from untested to not provided.

NM_001433706.1(NLRP8):c.2706-53T>C

Gene: NLRP8 (NLR family pyrin domain containing 8; plus strand). Cytogenetic location: 19q13.43.
Variant type: single nucleotide variant.
Coding change: c.2706-53T>C on transcript NM_001433706.1 (MANE Select); 53 bases into the intron before coding-DNA position 2706, T replaced by C.
Molecular consequence: intron variant.
Genome position (GRCh38, 1-based): chr19:55,976,080, T>C. VCF-style: chr19-55976080-T-C. GRCh37 (hg19) VCF-style: chr19-56487446-T-C.
Other names: NM_176811.2:c.2706-53T>C; c.2649-53T>C (NM_001317000.1).
Identifiers: ClinVar variation 103329 (VCV000103329.2), dbSNP rs199475845, ClinGen allele CA230424.